The following is an entry in ClinVar:

NM_001270508.2(TNFAIP3):c.1516G>A (p.Ala506Thr)

Gene: TNFAIP3 (TNF alpha induced protein 3; plus strand). Cytogenetic location: 6q23.3.
Variant type: single nucleotide variant.
Coding change: c.1516G>A on transcript NM_001270508.2 (MANE Select); coding-DNA position 1516, G replaced by A.
Protein change: p.Ala506Thr; replaces alanine 506 with threonine.
Molecular consequence: missense variant.
Genome position (GRCh38, 1-based): chr6:137,878,961, G>A. VCF-style: chr6-137878961-G-A. GRCh37 (hg19) VCF-style: chr6-138200098-G-A.
Other names: c.1516G>A, p.Ala506Thr (NM_001270507.2, NM_006290.4); short protein forms A506T.
Identifiers: ClinVar variation 4696738 (VCV004696738.1).
Genomic context (GRCh38, chr6:137,878,961, plus strand): 5'-ACACTGAATGTGCAGCACAACGGATTTTGTGAACGTTGCCACAACGCCCGGCAACTTCAC[G>A]CCAGCCACGCCCCAGACCACACAAGGCACTTGGATCCCGGGAAGTGCCAAGCCTGCCTCC-3'
Protein context (NP_001257437.1, residues 496-516): ERCHNARQLH[Ala506Thr]SHAPDHTRHL

ClinVar aggregate classification (germline): Uncertain significance (1 of 4 stars; one submission).

Submission:

Labcorp Genetics (formerly Invitae), Labcorp
Classification: Uncertain significance. Last evaluated: 2025-10-30. Review status: criteria provided, single submitter. Criteria: Invitae Variant Classification Sherloc (09022015). Collection method: clinical testing. Allele origin: germline.
Comment: This sequence change replaces alanine, which is neutral and non-polar, with threonine, which is neutral and polar, at codon 506 of the TNFAIP3 protein (p.Ala506Thr). This variant is present in population databases (rs780969004, gnomAD 0.003%). This variant has not been reported in the literature in individuals affected with TNFAIP3-related conditions. Invitae Evidence Modeling of protein sequence and biophysical properties (such as structural, functional, and spatial information, amino acid conservation, physicochemical variation, residue mobility, and thermodynamic stability) indicates that this missense variant is not expected to disrupt TNFAIP3 protein function with a negative predictive value of 80%. In summary, the available evidence is currently insufficient to determine the role of this variant in disease. Therefore, it has been classified as a Variant of Uncertain Significance.